The following is an entry in ClinVar:

NM_004928.3(CFAP410):c.22G>T (p.Val8Phe)

Genes: CFAP410 (cilia and flagella associated protein 410; minus strand), LOC130066823 (ATAC-STARR-seq lymphoblastoid silent region 13383; plus strand). Cytogenetic location: 21q22.3.
Variant type: single nucleotide variant.
Coding change: c.22G>T on transcript NM_004928.3 (MANE Select); coding-DNA position 22, G replaced by T.
Protein change: p.Val8Phe; replaces valine 8 with phenylalanine.
Molecular consequence: missense variant.
Genome position (GRCh38, 1-based): chr21:44,339,173, C>A on the plus strand (G>T on the coding strand, the complement: CFAP410 is on the minus strand). VCF-style: chr21-44339173-C-A. GRCh37 (hg19) VCF-style: chr21-45759056-C-A.
Other names: c.22G>T, p.Val8Phe (NM_001271440.2, NM_001271441.2); short protein forms V8F.
Identifiers: ClinVar variation 2847179 (VCV002847179.3), dbSNP rs1284958901, ClinGen allele CA410461358.

ClinVar aggregate classification (germline): Uncertain significance (1 of 4 stars; one submission).

Submission:

Labcorp Genetics (formerly Invitae), Labcorp
Classification: Uncertain significance. Last evaluated: 2023-06-15. Review status: criteria provided, single submitter. Criteria: Invitae Variant Classification Sherloc (09022015). Collection method: clinical testing. Allele origin: germline.
Comment: In summary, the available evidence is currently insufficient to determine the role of this variant in disease. Therefore, it has been classified as a Variant of Uncertain Significance. An algorithm developed to predict the effect of missense changes on protein structure and function (PolyPhen-2) suggests that this variant is likely to be disruptive. This variant has not been reported in the literature in individuals affected with CFAP410-related conditions. This variant is not present in population databases (gnomAD no frequency). This sequence change replaces valine, which is neutral and non-polar, with phenylalanine, which is neutral and non-polar, at codon 8 of the CFAP410 protein (p.Val8Phe).